The following is an entry in ClinVar:

NM_001846.4(COL4A2):c.4565G>C (p.Gly1522Ala)

Genes: COL4A2 (collagen type IV alpha 2 chain; plus strand), COL4A2-AS1 (COL4A2 antisense RNA 1; minus strand). Cytogenetic location: 13q34.
Variant type: single nucleotide variant.
Coding change: c.4565G>C on transcript NM_001846.4 (MANE Select); coding-DNA position 4565, G replaced by C.
Protein change: p.Gly1522Ala; replaces glycine 1522 with alanine.
Molecular consequence: missense variant.
Genome position (GRCh38, 1-based): chr13:110,506,577, G>C. VCF-style: chr13-110506577-G-C. GRCh37 (hg19) VCF-style: chr13-111158924-G-C.
Other names: short protein forms G1522A.
Identifiers: ClinVar variation 3369032 (VCV003369032.1).

ClinVar aggregate classification (germline): Uncertain significance (1 of 4 stars; one submission).

Submission:

GeneDx
Classification: Uncertain significance. Last evaluated: 2024-02-07. Review status: criteria provided, single submitter. Criteria: GeneDx Variant Classification Process June 2021. Collection method: clinical testing. Allele origin: germline. Affected: yes.
Comment: Not observed at significant frequency in large population cohorts (gnomAD); In silico analysis supports that this missense variant has a deleterious effect on protein structure/function; Has not been previously published as pathogenic or benign to our knowledge